The following is an entry in ClinVar:

NM_005816.5(CD96):c.46A>G (p.Ile16Val)

Gene: CD96 (CD96 molecule; plus strand). Cytogenetic location: 3q13.13.
Variant type: single nucleotide variant.
Coding change: c.46A>G on transcript NM_005816.5 (MANE Select); coding-DNA position 46, A replaced by G.
Protein change: p.Ile16Val; replaces isoleucine 16 with valine.
Molecular consequence: missense variant. On other transcripts: non-coding transcript variant (1).
Genome position (GRCh38, 1-based): chr3:111,542,294, A>G. VCF-style: chr3-111542294-A-G. GRCh37 (hg19) VCF-style: chr3-111261141-A-G.
Other names: c.46A>G, p.Ile16Val (NM_001318889.2, NM_001410800.1, NM_198196.3); short protein forms I16V.
Identifiers: ClinVar variation 2882301 (VCV002882301.3), dbSNP rs762726257, ClinGen allele CA353955892.

ClinVar aggregate classification (germline): Uncertain significance (1 of 4 stars; one submission).

gnomAD v4.1: 1 of 1,613,864 alleles (0.000062%); highest among the groups gnomAD compares: Admixed American, 0.0017%; no homozygotes.

Submission:

Labcorp Genetics (formerly Invitae), Labcorp
Classification: Uncertain significance. Last evaluated: 2022-12-05. Review status: criteria provided, single submitter. Criteria: Invitae Variant Classification Sherloc (09022015). Collection method: clinical testing. Allele origin: germline.
Comment: In summary, the available evidence is currently insufficient to determine the role of this variant in disease. Therefore, it has been classified as a Variant of Uncertain Significance. Algorithms developed to predict the effect of sequence changes on RNA splicing suggest that this variant may disrupt the consensus splice site. Algorithms developed to predict the effect of missense changes on protein structure and function (SIFT, PolyPhen-2, Align-GVGD) all suggest that this variant is likely to be tolerated. This variant has not been reported in the literature in individuals affected with CD96-related conditions. This variant is not present in population databases (gnomAD no frequency). This sequence change replaces isoleucine, which is neutral and non-polar, with valine, which is neutral and non-polar, at codon 16 of the CD96 protein (p.Ile16Val).